The following is an entry in ClinVar:

NM_000465.4(BARD1):c.1748A>G (p.Lys583Arg)

Gene: BARD1 (BRCA1 associated RING domain 1; minus strand). Cytogenetic location: 2q35.
Variant type: single nucleotide variant.
Coding change: c.1748A>G on transcript NM_000465.4 (MANE Select); coding-DNA position 1748, A replaced by G.
Protein change: p.Lys583Arg; replaces lysine 583 with arginine.
Molecular consequence: missense variant. On other transcripts: non-coding transcript variant (3), intron variant (1).
Genome position (GRCh38, 1-based): chr2:214,745,784, T>C on the plus strand (A>G on the coding strand, the complement: BARD1 is on the minus strand). VCF-style: chr2-214745784-T-C. GRCh37 (hg19) VCF-style: chr2-215610508-T-C.
Other names: c.1691A>G, p.Lys564Arg (NM_001282543.2); c.395A>G, p.Lys132Arg (NM_001282545.2); c.338A>G, p.Lys113Arg (NM_001282548.2); c.365-15276A>G (NM_001282549.2); short protein forms K113R, K583R, K132R, K564R.
Identifiers: ClinVar variation 3725063 (VCV003725063.2).

ClinVar aggregate classification (germline): Uncertain significance (1 of 4 stars; one submission).

Conditions:
Familial cancer of breast. Also called: Hereditary breast cancer; BREAST CANCER, FAMILIAL; hereditary breast carcinoma. Identifiers: Orphanet 227535, MedGen C0346153, MONDO:0016419, OMIM 114480. Disease mechanism: loss of function.

Submission:

Labcorp Genetics (formerly Invitae), Labcorp
Classification: Uncertain significance for Familial cancer of breast. Last evaluated: 2024-11-12. Review status: criteria provided, single submitter. Criteria: Invitae Variant Classification Sherloc (09022015). Collection method: clinical testing. Allele origin: germline.
Comment: This sequence change replaces lysine, which is basic and polar, with arginine, which is basic and polar, at codon 583 of the BARD1 protein (p.Lys583Arg). This variant is not present in population databases (gnomAD no frequency). This variant has not been reported in the literature in individuals affected with BARD1-related conditions. An algorithm developed to predict the effect of missense changes on protein structure and function (PolyPhen-2) suggests that this variant is likely to be tolerated. In summary, the available evidence is currently insufficient to determine the role of this variant in disease. Therefore, it has been classified as a Variant of Uncertain Significance.